The following is an entry in ClinVar:

ClinVar aggregate classification (germline): Uncertain significance (1 of 4 stars; one submission).

Conditions:
DICER1-related tumor predisposition. Also called: DICER1 syndrome; DICER1-related pleuropulmonary blastoma cancer predisposition syndrome. Identifiers: Orphanet 284343, MedGen C3839822, MONDO:0100216.

Submission:

Labcorp Genetics (formerly Invitae), Labcorp
Classification: Uncertain significance for DICER1-related tumor predisposition. Last evaluated: 2019-09-30. Review status: criteria provided, single submitter. Criteria: Invitae Variant Classification Sherloc (09022015). Collection method: clinical testing. Allele origin: germline.
Comment: Algorithms developed to predict the effect of missense changes on protein structure and function (SIFT, PolyPhen-2, Align-GVGD) all suggest that this variant is likely to be disruptive, but these predictions have not been confirmed by published functional studies and their clinical significance is uncertain. In summary, the available evidence is currently insufficient to determine the role of this variant in disease. Therefore, it has been classified as a Variant of Uncertain Significance. This variant has not been reported in the literature in individuals with DICER1-related conditions. This variant is not present in population databases (ExAC no frequency). This sequence change replaces phenylalanine with serine at codon 802 of the DICER1 protein (p.Phe802Ser). The phenylalanine residue is highly conserved and there is a large physicochemical difference between phenylalanine and serine.

NM_177438.3(DICER1):c.2405T>C (p.Phe802Ser)

Gene: DICER1 (dicer 1, ribonuclease III; minus strand). Cytogenetic location: 14q32.13.
Variant type: single nucleotide variant.
Coding change: c.2405T>C on transcript NM_177438.3 (MANE Select); coding-DNA position 2405, T replaced by C.
Protein change: p.Phe802Ser; replaces phenylalanine 802 with serine.
Molecular consequence: missense variant.
Genome position (GRCh38, 1-based): chr14:95,108,355, A>G on the plus strand (T>C on the coding strand, the complement: DICER1 is on the minus strand). VCF-style: chr14-95108355-A-G. GRCh37 (hg19) VCF-style: chr14-95574692-A-G.
Other names: c.2405T>C, p.Phe802Ser (NM_001195573.1, NM_001271282.3, NM_001291628.2 and 1 more transcripts); short protein forms F802S.
Identifiers: ClinVar variation 953946 (VCV000953946.11), dbSNP rs1891645776, ClinGen allele CA390882112.